The following is an entry in ClinVar:

NM_020975.6(RET):c.560A>G (p.Gln187Arg)

Gene: RET (ret proto-oncogene; plus strand). Cytogenetic location: 10q11.21.
Variant type: single nucleotide variant.
Coding change: c.560A>G on transcript NM_020975.6 (MANE Select); coding-DNA position 560, A replaced by G.
Protein change: p.Gln187Arg; replaces glutamine 187 with arginine.
Molecular consequence: missense variant. On other transcripts: intron variant (15).
Genome position (GRCh38, 1-based): chr10:43,102,564, A>G. VCF-style: chr10-43102564-A-G. GRCh37 (hg19) VCF-style: chr10-43598012-A-G.
Other names: c.560A>G, p.Gln187Arg (NM_000323.2, NM_001406743.1, NM_001406744.1 and 16 more transcripts); c.431A>G, p.Gln144Arg (NM_001406761.1, NM_001406762.1, NM_001406764.1 and 4 more transcripts); c.337+1842A>G (NM_001406770.1, NM_001406766.1, NM_001406767.1 and 8 more transcripts); c.74-6467A>G (NM_001406784.1); c.74-9535A>G (NM_001406794.1, NM_001406792.1, NM_001406793.1); short protein forms Q144R, Q187R.
Identifiers: ClinVar variation 3071794 (VCV003071794.1), dbSNP rs2492163484, ClinGen allele CA376543495.
Genomic context (GRCh38, chr10:43,102,564, plus strand): 5'-TCCCAGAGACAAGGCCCTCCTTCCGCATTCGGGAGAACCGACCCCCAGGCACCTTCCACC[A>G]GTTCCGCCTGCTGCCTGTGCAGTTCTTGTGCCCCAACATCAGCGTGGCCTACAGGCTCCT-3'
Protein context (NP_066124.1, residues 177-197): RENRPPGTFH[Gln187Arg]FRLLPVQFLC

ClinVar aggregate classification (germline): Uncertain significance (1 of 4 stars; one submission).

Conditions:
Multiple endocrine neoplasia, type 2 (MEN2). Identifiers: Orphanet 653, MedGen C4048306, MONDO:0019003. Disease mechanism: gain of function.

gnomAD v4.1: 1 of 1,614,170 alleles (0.000062%); highest among the groups gnomAD compares: South Asian, 0.0011%; no homozygotes.

Submission:

All of Us Research Program, National Institutes of Health
Classification: Uncertain significance for Multiple endocrine neoplasia, type 2. Last evaluated: 2023-06-26. Review status: criteria provided, single submitter. Criteria: ACMG Guidelines, 2015. Collection method: clinical testing. Allele origin: germline. Inheritance: Autosomal dominant inheritance. Observed: 1 variant allele, 1 heterozygote.
Comment: This missense variant replaces glutamine with arginine at codon 187 of the RET protein. Computational prediction suggests that this variant may not impact protein structure and function (internally defined REVEL score threshold <= 0.5, PMID: 27666373). To our knowledge, functional studies have not been reported for this variant. This variant has not been reported in individuals affected with RET-related disorders in the literature. This variant has not been identified in the general population by the Genome Aggregation Database (gnomAD). The available evidence is insufficient to determine the role of this variant in disease conclusively. Therefore, this variant is classified as a Variant of Uncertain Significance.

This study involves interpretation of variants in research participants for the purpose of population health screening. Participant phenotype was not available at the time of variant classification. Additional details can be found in publication PMID: 35346344, PMCID: PMC8962531